The following is an entry in ClinVar:

ClinVar aggregate classification (germline): Uncertain significance. Review status: criteria provided, multiple submitters, no conflicts (2 of 4 stars). 2 submissions from 2 submitters: Uncertain significance (2). Last evaluated 2021-11-14.

Conditions:
Periventricular heterotopia with microcephaly, autosomal recessive (ARPHM). Also called: PERIVENTRICULAR NODULAR HETEROTOPIA 2; Periventricular heterotopia with microcephaly. Identifiers: Orphanet 2149, MedGen C1842563, MONDO:0011966, OMIM 608097.

Allele frequency attached by ClinVar (database versions not stated): gnomAD 0.00001; gnomAD exomes 0.00002 and 0.00006; TOPMed 0.00002; ExAC 0.00005.
gnomAD v4.1: 30 of 1,610,964 alleles (0.0019%); highest among the groups gnomAD compares: Admixed American, 0.013%; no homozygotes.

Submissions (2):

Labcorp Genetics (formerly Invitae), Labcorp
Classification: Uncertain significance. Last evaluated: 2021-11-14. Review status: criteria provided, single submitter. Criteria: Invitae Variant Classification Sherloc (09022015). Collection method: clinical testing. Allele origin: germline.
Comment: This variant is present in population databases (rs753508291, gnomAD 0.02%). In summary, the available evidence is currently insufficient to determine the role of this variant in disease. Therefore, it has been classified as a Variant of Uncertain Significance. Variants that disrupt the consensus splice site are a relatively common cause of aberrant splicing (PMID: 17576681, 9536098). Algorithms developed to predict the effect of sequence changes on RNA splicing suggest that this variant may create or strengthen a splice site. ClinVar contains an entry for this variant (Variation ID: 338699). This variant has not been reported in the literature in individuals affected with ARFGEF2-related conditions. This sequence change falls in intron 31 of the ARFGEF2 gene. It does not directly change the encoded amino acid sequence of the ARFGEF2 protein. It affects a nucleotide within the consensus splice site.

Illumina Laboratory Services, Illumina
Classification: Uncertain significance for Periventricular heterotopia with microcephaly, autosomal recessive. Last evaluated: 2018-01-13. Review status: criteria provided, single submitter. Criteria: ICSL Variant Classification Criteria 13 December 2019. Collection method: clinical testing. Allele origin: germline.

Literature cited by the submitters: PubMed 17576681 (cited by Labcorp Genetics (formerly Invitae), Labcorp); PubMed 9536098 (cited by Labcorp Genetics (formerly Invitae), Labcorp).

NM_006420.3(ARFGEF2):c.4315+5T>G

Gene: ARFGEF2 (ARF guanine nucleotide exchange factor 2; plus strand). Cytogenetic location: 20q13.13.
Variant type: single nucleotide variant.
Coding change: c.4315+5T>G on transcript NM_006420.3 (MANE Select); 5 bases into the intron after coding-DNA position 4315, T replaced by G.
Molecular consequence: intron variant.
Genome position (GRCh38, 1-based): chr20:49,016,420, T>G. VCF-style: chr20-49016420-T-G. GRCh37 (hg19) VCF-style: chr20-47632957-T-G.
Identifiers: ClinVar variation 338699 (VCV000338699.10), dbSNP rs753508291, ClinGen allele CA9899167.